The following is an entry in ClinVar:

ClinVar aggregate classification (germline): Pathogenic (1 of 4 stars; one submission).

Submission:

Labcorp Genetics (formerly Invitae), Labcorp
Classification: Pathogenic. Last evaluated: 2021-10-15. Review status: criteria provided, single submitter. Criteria: Invitae Variant Classification Sherloc (09022015). Collection method: clinical testing. Allele origin: germline.
Comment: This variant has not been reported in the literature in individuals affected with SAG-related conditions. This sequence change creates a premature translational stop signal (p.Leu207Cysfs*20) in the SAG gene. It is expected to result in an absent or disrupted protein product. Loss-of-function variants in SAG are known to be pathogenic (PMID: 9452120, 15234147, 22665972). This variant is not present in population databases (ExAC no frequency). For these reasons, this variant has been classified as Pathogenic.

Literature cited by the submitters: PubMed 9452120; PubMed 15234147; PubMed 22665972.

NM_000541.5(SAG):c.619del (p.Leu207fs)

Gene: SAG (S-antigen visual arrestin; plus strand). Cytogenetic location: 2q37.1.
Variant type: Deletion.
Coding change: c.619del on transcript NM_000541.5 (MANE Select); coding-DNA position 619, one base deleted (C; older notation c.619delC).
Protein change: p.Leu207fs; shifts the reading frame from leucine 207.
Molecular consequence: frameshift variant.
Genome position (GRCh38, 1-based): chr2:233,328,584, C deleted; the last of 4 consecutive C bases (chr2:233,328,581-233,328,584); deleting any one gives the same sequence. VCF-style (leftmost placement, unchanged base first): chr2-233328580-GC-G. GRCh37 (hg19) VCF-style: chr2-234237226-GC-G.
Other names: short protein forms L207fs.
Identifiers: ClinVar variation 1440983 (VCV001440983.6), dbSNP rs2125336905, ClinGen allele CA2573135604.